The following is an entry in ClinVar:

GRCh38/hg38 16p13.3(chr16:6717241-7051313)x3

Genes: RBFOX1 (RNA binding fox-1 homolog 1; plus strand), LOC129390761 (MPRA-validated peak2485 silencer; plus strand). Cytogenetic location: 16p13.3.
Variant type: copy number gain.
Change: copy number 3 (three copies instead of two) of chr16:6,717,241-7,051,313 (334.1 kb, GRCh38 coordinates, 1-based), cytogenetic band 16p13.3.
Identifiers: ClinVar variation 59464 (VCV000059464.2).

ClinVar aggregate classification (germline): Uncertain significance (1 of 4 stars; one submission).

Submission:

ISCA Site 6
Classification: Uncertain significance. Last evaluated: 2011-08-12. Review status: criteria provided, single submitter. Criteria: Kaminsky et al. (Genet Med. 2011). Collection method: clinical testing. Allele origin: unknown. Affected: yes. Observed: 1 variant allele.
Comment: Copy number variation identified through the course of routine clinical cytogenomic testing in postnatal populations. Clinical assertions have been curated as described in Kaminsky et al. 2011.